The following is an entry in ClinVar:

ClinVar aggregate classification (germline): Likely pathogenic (1 of 4 stars; one submission).

Conditions:
Carnitine palmitoyl transferase 1A deficiency. Also called: CPT I DEFICIENCY; CPT DEFICIENCY, HEPATIC, TYPE I; Carnitine palmitoyltransferase type I deficiency; CPT deficiency, hepatic, type IA; Carnitine palmitoyltransferase 1A deficiency. Identifiers: Orphanet 156, MedGen C1829703, MONDO:0009705, OMIM 255120.

Submission:

Myriad Genetics, Inc.
Classification: Likely pathogenic for Carnitine palmitoyl transferase 1A deficiency. Last evaluated: 2021-12-27. Review status: criteria provided, single submitter. Criteria: Myriad Women's Health Autosomal Recessive and X-Linked Classification Criteria (2021). Collection method: clinical testing. Allele origin: unknown.
Comment: NM_001876.3(CPT1A):c.1883delA(Q628Rfs*3) is expected to be pathogenic in the context of carnitine palmitoyltransferase IA deficiency. This variant is predicted to lead to an abnormal or absent protein product due to the creation of a premature termination codon in CPT1A, a gene where loss-of-function variants are known to be pathogenic. Please note: this variant was assessed in the context of healthy population screening.

NM_001876.4(CPT1A):c.1883del (p.Gln628fs)

Gene: CPT1A (carnitine palmitoyltransferase 1A; minus strand). Cytogenetic location: 11q13.3.
Variant type: Deletion.
Coding change: c.1883del on transcript NM_001876.4 (MANE Select); coding-DNA position 1883, one base deleted (A; older notation c.1883delA).
Protein change: p.Gln628fs; shifts the reading frame from glutamine 628.
Molecular consequence: frameshift variant.
Genome position (GRCh38, 1-based): chr11:68,761,680, T deleted on the plus strand (A on the coding strand, the reverse complement: CPT1A is on the minus strand). VCF-style (leftmost placement, unchanged base first): chr11-68761679-CT-C. GRCh37 (hg19) VCF-style: chr11-68529147-CT-C.
Other names: c.1883del, p.Gln628fs (NM_001031847.3); short protein forms Q628fs.
Identifiers: ClinVar variation 1726598 (VCV001726598.2), dbSNP rs2495513264, ClinGen allele CA2580084753.